The following is an entry in ClinVar:

ClinVar aggregate classification (germline): Uncertain significance (1 of 4 stars; one submission).

Conditions:
Nemaline myopathy 2 (NEM2). Also called: Nemaline myopathy 2, autosomal recessive. Identifiers: MedGen C1850569, MONDO:0009725, OMIM 256030.

gnomAD v4.1: 2 of 1,548,964 alleles (0.00013%); highest among the groups gnomAD compares: South Asian, 0.0012%; no homozygotes.

Submission:

Labcorp Genetics (formerly Invitae), Labcorp
Classification: Uncertain significance for Nemaline myopathy 2. Last evaluated: 2021-09-17. Review status: criteria provided, single submitter. Criteria: Invitae Variant Classification Sherloc (09022015). Collection method: clinical testing. Allele origin: germline.
Comment: This sequence change replaces tryptophan with cysteine at codon 7172 of the NEB protein (p.Trp7172Cys). The tryptophan residue is weakly conserved and there is a large physicochemical difference between tryptophan and cysteine. This variant is not present in population databases (ExAC no frequency). This variant has not been reported in the literature in individuals affected with NEB-related conditions. Algorithms developed to predict the effect of missense changes on protein structure and function are either unavailable or do not agree on the potential impact of this missense change (SIFT: "Deleterious"; PolyPhen-2: "Not Available"; Align-GVGD: "Class C0"). In summary, the available evidence is currently insufficient to determine the role of this variant in disease. Therefore, it has been classified as a Variant of Uncertain Significance.

NM_001164508.2(NEB):c.21411G>C (p.Trp7137Cys)

Genes: NEB (nebulin; minus strand), RIF1 (replication timing regulatory factor 1; plus strand). Cytogenetic location: 2q23.3.
Variant type: single nucleotide variant.
Coding change: c.21411G>C on transcript NM_001164508.2 (MANE Select); coding-DNA position 21411, G replaced by C.
Protein change: p.Trp7137Cys; replaces tryptophan 7137 with cysteine.
Molecular consequence: missense variant. On other transcripts: intron variant (2).
Genome position (GRCh38, 1-based): chr2:151,533,448, C>G on the plus strand (G>C on the coding strand, the complement: NEB is on the minus strand). VCF-style: chr2-151533448-C-G. GRCh37 (hg19) VCF-style: chr2-152389962-C-G.
Other names: c.21516G>C, p.Trp7172Cys (NM_001271208.2); c.16314+767G>C (NM_004543.5); c.21417+767G>C (NM_001164507.2); short protein forms W7172C, W7137C.
Identifiers: ClinVar variation 1404381 (VCV001404381.5), dbSNP rs1343837039, ClinGen allele CA348771300.